The following is an entry in ClinVar:

NM_018979.4(WNK1):c.6410G>A (p.Arg2137Gln)

Gene: WNK1 (WNK lysine deficient protein kinase 1; plus strand). Cytogenetic location: 12p13.33.
Variant type: single nucleotide variant.
Coding change: c.6410G>A on transcript NM_018979.4 (MANE Select); coding-DNA position 6410, G replaced by A.
Protein change: p.Arg2137Gln; replaces arginine 2137 with glutamine.
Molecular consequence: missense variant.
Genome position (GRCh38, 1-based): chr12:897,643, G>A. VCF-style: chr12-897643-G-A. GRCh37 (hg19) VCF-style: chr12-1006809-G-A.
Other names: c.7190G>A, p.Arg2397Gln (NM_001184985.2); c.5666G>A, p.Arg1889Gln (NM_014823.3); c.7166G>A, p.Arg2389Gln (NM_213655.5); short protein forms R1889Q, R2137Q, R2389Q, R2397Q.
Identifiers: ClinVar variation 963510 (VCV000963510.11), dbSNP rs746647121, ClinGen allele CA6383395.

ClinVar aggregate classification (germline): Uncertain significance. Review status: criteria provided, multiple submitters, no conflicts (2 of 4 stars). 2 submissions from 2 submitters: Uncertain significance (2). Last evaluated 2024-10-29.

Conditions:
Neuropathy, hereditary sensory and autonomic, type 2A (HSAN2A). Also called: ACROOSTEOLYSIS, GIACCAI TYPE; ACROOSTEOLYSIS, NEUROGENIC; WNK1-Related HSAN2 (HSAN2A); HSAN IIA; MORVAN DISEASE; NEUROPATHY, CONGENITAL SENSORY. Identifiers: Orphanet 970, MedGen C2752089, MONDO:0024309, OMIM 201300.
Pseudohypoaldosteronism type 2C (PHA2C). Also called: Pseudohypoaldosteronism Type IIC. Identifiers: Orphanet 757, Orphanet 88940, MedGen C1840391, MONDO:0013778, OMIM 614492.
Inborn genetic diseases. Identifiers: MedGen C0950123, MeSH D030342.

Allele frequency attached by ClinVar (database versions not stated): ExAC 0.00001; gnomAD 0.00001; TOPMed 0.00001; gnomAD exomes below 0.00001.
gnomAD v4.1: 6 of 1,614,088 alleles (0.00037%); highest among the groups gnomAD compares: Non-Finnish European, 0.00042%; no homozygotes.

Submissions (2):

Labcorp Genetics (formerly Invitae), Labcorp
Classification: Uncertain significance for Neuropathy, hereditary sensory and autonomic, type 2A; Pseudohypoaldosteronism type 2C. Last evaluated: 2024-10-29. Review status: criteria provided, single submitter. Criteria: Invitae Variant Classification Sherloc (09022015). Collection method: clinical testing. Allele origin: germline.
Comment: This sequence change replaces arginine, which is basic and polar, with glutamine, which is neutral and polar, at codon 2389 of the WNK1 protein (p.Arg2389Gln). This variant is present in population databases (rs746647121, gnomAD 0.002%). This variant has not been reported in the literature in individuals affected with WNK1-related conditions. ClinVar contains an entry for this variant (Variation ID: 963510). Experimental studies and prediction algorithms are not available or were not evaluated, and the functional significance of this variant is currently unknown. In summary, the available evidence is currently insufficient to determine the role of this variant in disease. Therefore, it has been classified as a Variant of Uncertain Significance.

Ambry Genetics
Classification: Uncertain significance for Inborn genetic diseases. Last evaluated: 2021-03-04. Review status: criteria provided, single submitter. Criteria: Ambry Variant Classification Scheme 2023. Collection method: clinical testing. Allele origin: germline.
Comment: The p.R2389Q variant (also known as c.7166G>A), located in coding exon 25 of the WNK1 gene, results from a G to A substitution at nucleotide position 7166. The arginine at codon 2389 is replaced by glutamine, an amino acid with highly similar properties. This amino acid position is well conserved in available vertebrate species. In addition, the in silico prediction for this alteration is inconclusive. Since supporting evidence is limited at this time, the clinical significance of this alteration remains unclear.